The following is an entry in ClinVar:

NM_001347721.2(DYRK1A):c.214A>G (p.Met72Val)

Gene: DYRK1A (dual specificity tyrosine phosphorylation regulated kinase 1A; plus strand). Cytogenetic location: 21q22.13.
Variant type: single nucleotide variant.
Coding change: c.214A>G on transcript NM_001347721.2 (MANE Select); coding-DNA position 214, A replaced by G.
Protein change: p.Met72Val; replaces methionine 72 with valine.
Molecular consequence: missense variant.
Genome position (GRCh38, 1-based): chr21:37,478,214, A>G. VCF-style: chr21-37478214-A-G. GRCh37 (hg19) VCF-style: chr21-38850516-A-G.
Other names: c.214A>G, p.Met72Val (NM_001347722.2, NM_130436.2); c.127A>G, p.Met43Val (NM_001347723.2); c.241A>G, p.Met81Val (NM_001396.5, NM_101395.2, NM_130438.2); short protein forms M43V, M72V, M81V.
Identifiers: ClinVar variation 1953387 (VCV001953387.5), dbSNP rs2052470685, ClinGen allele CA409943367.

ClinVar aggregate classification (germline): Uncertain significance (1 of 4 stars; one submission).

Conditions:
DYRK1A-related intellectual disability syndrome (MRD7). Also called: Intellectual developmental disorder, autosomal dominant 7; DYRK1A Syndrome. Identifiers: Orphanet 464306, MedGen C5568143, MONDO:0013578, OMIM 614104.

Allele frequency attached by ClinVar (database versions not stated): gnomAD 0.00001; gnomAD exomes below 0.00001.
gnomAD v4.1: 3 of 1,614,042 alleles (0.00019%); highest among the groups gnomAD compares: South Asian, 0.0022%; no homozygotes.

Submission:

Labcorp Genetics (formerly Invitae), Labcorp
Classification: Uncertain significance for DYRK1A-related intellectual disability syndrome. Last evaluated: 2023-10-13. Review status: criteria provided, single submitter. Criteria: Invitae Variant Classification Sherloc (09022015). Collection method: clinical testing. Allele origin: germline.
Comment: This sequence change replaces methionine, which is neutral and non-polar, with valine, which is neutral and non-polar, at codon 81 of the DYRK1A protein (p.Met81Val). This variant is not present in population databases (gnomAD no frequency). This variant has not been reported in the literature in individuals affected with DYRK1A-related conditions. ClinVar contains an entry for this variant (Variation ID: 1953387). Advanced modeling of protein sequence and biophysical properties (such as structural, functional, and spatial information, amino acid conservation, physicochemical variation, residue mobility, and thermodynamic stability) performed at Invitae indicates that this missense variant is not expected to disrupt DYRK1A protein function. In summary, the available evidence is currently insufficient to determine the role of this variant in disease. Therefore, it has been classified as a Variant of Uncertain Significance.